The following is an entry in ClinVar:

NM_033467.4(MMEL1):c.485G>C (p.Arg162Pro)

Gene: MMEL1 (membrane metalloendopeptidase like 1; minus strand). Cytogenetic location: 1p36.32.
Variant type: single nucleotide variant.
Coding change: c.485G>C on transcript NM_033467.4 (MANE Select); coding-DNA position 485, G replaced by C.
Protein change: p.Arg162Pro; replaces arginine 162 with proline.
Molecular consequence: missense variant.
Genome position (GRCh38, 1-based): chr1:2,609,389, C>G on the plus strand (G>C on the coding strand, the complement: MMEL1 is on the minus strand). VCF-style: chr1-2609389-C-G. GRCh37 (hg19) VCF-style: chr1-2540828-C-G.
Other names: short protein forms R162P.
Identifiers: ClinVar variation 5039142 (VCV005039142.1).

ClinVar aggregate classification (germline): Likely benign (1 of 4 stars; one submission).

gnomAD v4.1: 102 of 1,612,044 alleles (0.0063%); highest among the groups gnomAD compares: African/African-American, 0.093%; no homozygotes.

Submission:

CeGaT Center for Human Genetics Tuebingen
Classification: Likely benign. Last evaluated: 2026-07-01. Review status: criteria provided, single submitter. Criteria: CeGaT Center For Human Genetics Tuebingen Variant Classification Criteria Version 2. Collection method: clinical testing. Allele origin: germline. Affected: yes. Observed: 1 variant allele.
Comment: MMEL1: BP4